The following is an entry in ClinVar:

ClinVar aggregate classification (germline): Likely pathogenic (1 of 4 stars; one submission).

Conditions:
Niemann-Pick disease, type C1. Also called: NIEMANN-PICK DISEASE, VARIANT TYPE C1; NEUROVISCERAL STORAGE DISEASE WITH VERTICAL SUPRANUCLEAR OPHTHALMOPLEGIA; NIEMANN-PICK DISEASE WITH CHOLESTEROL ESTERIFICATION BLOCK; NIEMANN-PICK DISEASE WITHOUT SPHINGOMYELINASE DEFICIENCY; NIEMANN-PICK DISEASE, CHRONIC NEURONOPATHIC FORM. Identifiers: Orphanet 646, MedGen C3179455, MONDO:0009757, OMIM 257220.

Submission:

Neuberg Centre For Genomic Medicine, NCGM
Classification: Likely pathogenic for Niemann-Pick disease, type C1. Review status: criteria provided, single submitter. Criteria: ACMG Guidelines, 2015. Collection method: clinical testing. Allele origin: germline. Inheritance: Autosomal recessive inheritance. Affected: yes.
Comment: The frameshift variant c.3232del (p.Val1078TyrfsTer15) has not been reported previously as a pathogenic variant nor as a benign variant, to our knowledge. The variant is novel (not in any individuals) in gnomAD Exomes and 1000 Genomes. This variant is predicted to cause loss of normal protein function through protein truncation. Loss of function variants have been previously reported to be disease causing. For these reasons, this variant has been classified as Likely Pathogenic.

NM_000271.5(NPC1):c.3232del (p.Val1078fs)

Gene: NPC1 (NPC intracellular cholesterol transporter 1; minus strand). Cytogenetic location: 18q11.2.
Variant type: Deletion.
Coding change: c.3232del on transcript NM_000271.5 (MANE Select); coding-DNA position 3232, one base deleted (G; older notation c.3232delG).
Protein change: p.Val1078fs; shifts the reading frame from valine 1078.
Molecular consequence: frameshift variant.
Genome position (GRCh38, 1-based): chr18:23,536,686, C deleted on the plus strand (G on the coding strand, the reverse complement: NPC1 is on the minus strand). VCF-style (leftmost placement, unchanged base first): chr18-23536685-AC-A. GRCh37 (hg19) VCF-style: chr18-21116649-AC-A.
Other names: short protein forms V1078fs.
Identifiers: ClinVar variation 2585598 (VCV002585598.1), dbSNP rs2511196532, ClinGen allele CA2582342332.